The following is an entry in ClinVar:

ClinVar aggregate classification (germline): Uncertain significance (1 of 4 stars; one submission).

Allele frequency attached by ClinVar (database versions not stated): ESP Exome Variant Server 0.00008.
gnomAD v4.1: 13 of 1,613,848 alleles (0.00081%); highest among the groups gnomAD compares: African/African-American, 0.017%; no homozygotes.

Submission:

GeneDx
Classification: Uncertain significance. Last evaluated: 2023-05-14. Review status: criteria provided, single submitter. Criteria: GeneDx Variant Classification Process June 2021. Collection method: clinical testing. Allele origin: germline. Affected: yes.
Comment: In silico analysis supports that this missense variant does not alter protein structure/function; Has not been previously published as pathogenic or benign to our knowledge

NM_015046.7(SETX):c.2267A>G (p.Glu756Gly)

Gene: SETX (senataxin; minus strand). Cytogenetic location: 9q34.13.
Variant type: single nucleotide variant.
Coding change: c.2267A>G on transcript NM_015046.7 (MANE Select); coding-DNA position 2267, A replaced by G.
Protein change: p.Glu756Gly; replaces glutamic acid 756 with glycine.
Molecular consequence: missense variant.
Genome position (GRCh38, 1-based): chr9:132,329,331, T>C on the plus strand (A>G on the coding strand, the complement: SETX is on the minus strand). VCF-style: chr9-132329331-T-C. GRCh37 (hg19) VCF-style: chr9-135204718-T-C.
Other names: c.2267A>G, p.Glu756Gly (NM_001351527.2, NM_001351528.2); short protein forms E756G.
Identifiers: ClinVar variation 2662397 (VCV002662397.1), dbSNP rs202036078, ClinGen allele CA5297635.